The following is an entry in ClinVar:

ClinVar aggregate classification (germline): Uncertain significance (1 of 4 stars; one submission).

gnomAD v4.1: 1 of 1,614,000 alleles (0.000062%); highest among the groups gnomAD compares: Non-Finnish European, 0.000085%; no homozygotes.

Submission:

Labcorp Genetics (formerly Invitae), Labcorp
Classification: Uncertain significance. Last evaluated: 2024-07-22. Review status: criteria provided, single submitter. Criteria: Invitae Variant Classification Sherloc (09022015). Collection method: clinical testing. Allele origin: germline.
Comment: This sequence change replaces cysteine, which is neutral and slightly polar, with tyrosine, which is neutral and polar, at codon 3088 of the PCNT protein (p.Cys3088Tyr). This variant is not present in population databases (gnomAD no frequency). This variant has not been reported in the literature in individuals affected with PCNT-related conditions. ClinVar contains an entry for this variant (Variation ID: 1461108). An algorithm developed to predict the effect of missense changes on protein structure and function (PolyPhen-2) suggests that this variant is likely to be disruptive. In summary, the available evidence is currently insufficient to determine the role of this variant in disease. Therefore, it has been classified as a Variant of Uncertain Significance.

NM_006031.6(PCNT):c.9263G>A (p.Cys3088Tyr)

Gene: PCNT (pericentrin; plus strand). Cytogenetic location: 21q22.3.
Variant type: single nucleotide variant.
Coding change: c.9263G>A on transcript NM_006031.6 (MANE Select); coding-DNA position 9263, G replaced by A.
Protein change: p.Cys3088Tyr; replaces cysteine 3088 with tyrosine.
Molecular consequence: missense variant.
Genome position (GRCh38, 1-based): chr21:46,438,327, G>A. VCF-style: chr21-46438327-G-A. GRCh37 (hg19) VCF-style: chr21-47858240-G-A.
Other names: c.8672G>A, p.Cys2891Tyr (NM_001315529.2); short protein forms C2891Y, C3088Y.
Identifiers: ClinVar variation 1461108 (VCV001461108.6), dbSNP rs2148062115, ClinGen allele CA410576992.